The following is an entry in ClinVar:

ClinVar aggregate classification (germline): Uncertain significance. Review status: criteria provided, multiple submitters, no conflicts (2 of 4 stars). 3 submissions from 3 submitters: Uncertain significance (3). Last evaluated 2024-01-22.

Allele frequency attached by ClinVar (database versions not stated): gnomAD exomes below 0.00001 and 0.00001; TOPMed below 0.00001.
gnomAD v4.1: 10 of 1,613,524 alleles (0.00062%); highest among the groups gnomAD compares: East Asian, 0.011%; no homozygotes.

Submissions (3):

Labcorp Genetics (formerly Invitae), Labcorp
Classification: Uncertain significance. Last evaluated: 2024-01-22. Review status: criteria provided, single submitter. Criteria: Invitae Variant Classification Sherloc (09022015). Collection method: clinical testing. Allele origin: germline.
Comment: This sequence change replaces alanine, which is neutral and non-polar, with threonine, which is neutral and polar, at codon 255 of the WFS1 protein (p.Ala255Thr). This variant is present in population databases (no rsID available, gnomAD 0.003%). This variant has not been reported in the literature in individuals affected with WFS1-related conditions. ClinVar contains an entry for this variant (Variation ID: 1317340). Advanced modeling of protein sequence and biophysical properties (such as structural, functional, and spatial information, amino acid conservation, physicochemical variation, residue mobility, and thermodynamic stability) has been performed at Invitae for this missense variant, however the output from this modeling did not meet the statistical confidence thresholds required to predict the impact of this variant on WFS1 protein function. In summary, the available evidence is currently insufficient to determine the role of this variant in disease. Therefore, it has been classified as a Variant of Uncertain Significance.

Blueprint Genetics
Classification: Uncertain significance. Last evaluated: 2022-02-14. Review status: criteria provided, single submitter. Criteria: ACMG Guidelines, 2015. Collection method: clinical testing. Allele origin: germline.

GeneDx
Classification: Uncertain significance. Last evaluated: 2021-03-02. Review status: criteria provided, single submitter. Criteria: GeneDx Variant Classification Process June 2021. Collection method: clinical testing. Allele origin: germline. Affected: yes.
Comment: Not observed at a significant frequency in large population cohorts (Lek et al., 2016); In silico analysis supports that this missense variant does not alter protein structure/function; Has not been previously published as pathogenic or benign to our knowledge

NM_006005.3(WFS1):c.763G>A (p.Ala255Thr)

Gene: WFS1 (wolframin ER transmembrane glycoprotein; plus strand). Cytogenetic location: 4p16.1.
Variant type: single nucleotide variant.
Coding change: c.763G>A on transcript NM_006005.3 (MANE Select); coding-DNA position 763, G replaced by A.
Protein change: p.Ala255Thr; replaces alanine 255 with threonine.
Molecular consequence: missense variant.
Genome position (GRCh38, 1-based): chr4:6,295,091, G>A. VCF-style: chr4-6295091-G-A. GRCh37 (hg19) VCF-style: chr4-6296818-G-A.
Other names: c.763G>A, p.Ala255Thr (NM_001145853.1); short protein forms A255T.
Identifiers: ClinVar variation 1317340 (VCV001317340.8), dbSNP rs1486734952, ClinGen allele CA356172491.